The following is an entry in ClinVar:

ClinVar aggregate classification (germline): Uncertain significance (1 of 4 stars; one submission).

Allele frequency attached by ClinVar (database versions not stated): TOPMed below 0.00001; gnomAD 0.00001; gnomAD exomes 0.00004.
gnomAD v4.1: 58 of 1,572,426 alleles (0.0037%); highest among the groups gnomAD compares: Non-Finnish European, 0.0049%; no homozygotes.

Submission:

Labcorp Genetics (formerly Invitae), Labcorp
Classification: Uncertain significance. Last evaluated: 2023-10-13. Review status: criteria provided, single submitter. Criteria: Invitae Variant Classification Sherloc (09022015). Collection method: clinical testing. Allele origin: germline.
Comment: This sequence change replaces histidine, which is basic and polar, with proline, which is neutral and non-polar, at codon 34 of the PCLO protein (p.His34Pro). This variant is not present in population databases (gnomAD no frequency). This variant has not been reported in the literature in individuals affected with PCLO-related conditions. Experimental studies and prediction algorithms are not available or were not evaluated, and the functional significance of this variant is currently unknown. In summary, the available evidence is currently insufficient to determine the role of this variant in disease. Therefore, it has been classified as a Variant of Uncertain Significance.

NM_033026.6(PCLO):c.101A>C (p.His34Pro)

Gene: PCLO (piccolo presynaptic cytomatrix protein; minus strand). Cytogenetic location: 7q21.11.
Variant type: single nucleotide variant.
Coding change: c.101A>C on transcript NM_033026.6 (MANE Select); coding-DNA position 101, A replaced by C.
Protein change: p.His34Pro; replaces histidine 34 with proline.
Molecular consequence: missense variant.
Genome position (GRCh38, 1-based): chr7:83,162,492, T>G on the plus strand (A>C on the coding strand, the complement: PCLO is on the minus strand). VCF-style: chr7-83162492-T-G. GRCh37 (hg19) VCF-style: chr7-82791808-T-G.
Other names: c.101A>C, p.His34Pro (NM_014510.3); short protein forms H34P.
Identifiers: ClinVar variation 2979221 (VCV002979221.3), dbSNP rs1225761629, ClinGen allele CA367922448.
Genomic context (GRCh38, chr7:83,162,492, plus strand): 5'-CTCCTCTCCTCTTCGCTCAGCTGGCTCAAATCCGCCTCCATGCCGGCCGGGATCGCGGTG[T>G]GAGAGGGGCTCCCCGCCCCGCTAGCTCCTCCTCCAGCCGCTGCGGCCGCCGCCAGCCCTT-3'
Protein context (NP_149015.2, residues 24-44): GGASGAGSPS[His34Pro]TAIPAGMEAD